The following is an entry in ClinVar:

NM_017612.5(ZCCHC8):c.1466C>G (p.Pro489Arg)

Gene: ZCCHC8 (zinc finger CCHC-type containing 8; minus strand). Cytogenetic location: 12q24.31.
Variant type: single nucleotide variant.
Coding change: c.1466C>G on transcript NM_017612.5 (MANE Select); coding-DNA position 1466, C replaced by G.
Protein change: p.Pro489Arg; replaces proline 489 with arginine.
Molecular consequence: missense variant.
Genome position (GRCh38, 1-based): chr12:122,474,155, G>C on the plus strand (C>G on the coding strand, the complement: ZCCHC8 is on the minus strand). VCF-style: chr12-122474155-G-C. GRCh37 (hg19) VCF-style: chr12-122958702-G-C.
Other names: c.1235C>G, p.Pro412Arg (NM_001350935.2); c.1169C>G, p.Pro390Arg (NM_001350936.2); c.752C>G, p.Pro251Arg (NM_001350937.2, NM_001350938.2); short protein forms P390R, P412R, P251R, P489R.
Identifiers: ClinVar variation 2783757 (VCV002783757.3), dbSNP rs889642532, ClinGen allele CA244748761.

ClinVar aggregate classification (germline): Uncertain significance (1 of 4 stars; one submission).

Allele frequency attached by ClinVar (database versions not stated): gnomAD 0.00001; gnomAD exomes 0.00001; TOPMed 0.00001.
gnomAD v4.1: 13 of 1,511,460 alleles (0.00086%); highest among the groups gnomAD compares: Non-Finnish European, 0.0011%; no homozygotes.

Submission:

Labcorp Genetics (formerly Invitae), Labcorp
Classification: Uncertain significance. Last evaluated: 2023-09-11. Review status: criteria provided, single submitter. Criteria: Invitae Variant Classification Sherloc (09022015). Collection method: clinical testing. Allele origin: germline.
Comment: In summary, the available evidence is currently insufficient to determine the role of this variant in disease. Therefore, it has been classified as a Variant of Uncertain Significance. Advanced modeling of protein sequence and biophysical properties (such as structural, functional, and spatial information, amino acid conservation, physicochemical variation, residue mobility, and thermodynamic stability) performed at Invitae indicates that this missense variant is not expected to disrupt ZCCHC8 protein function. This variant has not been reported in the literature in individuals affected with ZCCHC8-related conditions. The frequency data for this variant in the population databases is considered unreliable, as metrics indicate poor data quality at this position in the gnomAD database. This sequence change replaces proline, which is neutral and non-polar, with arginine, which is basic and polar, at codon 489 of the ZCCHC8 protein (p.Pro489Arg).